The following is an entry in ClinVar:

NM_001374259.2(IL12RB2):c.2096C>G (p.Pro699Arg)

Gene: IL12RB2 (interleukin 12 receptor subunit beta 2; plus strand). Cytogenetic location: 1p31.3.
Variant type: single nucleotide variant.
Coding change: c.2096C>G on transcript NM_001374259.2 (MANE Select); coding-DNA position 2096, C replaced by G.
Protein change: p.Pro699Arg; replaces proline 699 with arginine.
Molecular consequence: missense variant. On other transcripts: 3 prime UTR variant (2), synonymous variant (1), non-coding transcript variant (2).
Genome position (GRCh38, 1-based): chr1:67,395,596, C>G. VCF-style: chr1-67395596-C-G. GRCh37 (hg19) VCF-style: chr1-67861279-C-G.
Other names: c.*16C>G (NM_001258214.1, NM_001319233.1); c.1838C>G, p.Pro613Arg (NM_001258215.1); c.1905C>G, p.Ala635= (NM_001258216.1); c.2096C>G, p.Pro699Arg (NM_001559.3); short protein forms P699R, P613R.
Identifiers: ClinVar variation 2121512 (VCV002121512.4), dbSNP rs1666292820, ClinGen allele CA340734851.

ClinVar aggregate classification (germline): Uncertain significance (1 of 4 stars; one submission).

Submission:

Labcorp Genetics (formerly Invitae), Labcorp
Classification: Uncertain significance. Last evaluated: 2022-06-19. Review status: criteria provided, single submitter. Criteria: Invitae Variant Classification Sherloc (09022015). Collection method: clinical testing. Allele origin: germline.
Comment: This sequence change replaces proline, which is neutral and non-polar, with arginine, which is basic and polar, at codon 699 of the IL12RB2 protein (p.Pro699Arg). This variant is not present in population databases (gnomAD no frequency). In summary, the available evidence is currently insufficient to determine the role of this variant in disease. Therefore, it has been classified as a Variant of Uncertain Significance. Algorithms developed to predict the effect of missense changes on protein structure and function are either unavailable or do not agree on the potential impact of this missense change (SIFT: "Tolerated"; PolyPhen-2: "Possibly Damaging"; Align-GVGD: "Class C0"). This variant has not been reported in the literature in individuals affected with IL12RB2-related conditions.